The following is an entry in ClinVar:

NM_001407.3(CELSR3):c.6304G>A (p.Ala2102Thr)

Gene: CELSR3 (cadherin EGF LAG seven-pass G-type receptor 3; minus strand). Cytogenetic location: 3p21.31.
Variant type: single nucleotide variant.
Coding change: c.6304G>A on transcript NM_001407.3 (MANE Select); coding-DNA position 6304, G replaced by A.
Protein change: p.Ala2102Thr; replaces alanine 2102 with threonine.
Molecular consequence: missense variant.
Genome position (GRCh38, 1-based): chr3:48,650,958, C>T on the plus strand (G>A on the coding strand, the complement: CELSR3 is on the minus strand). VCF-style: chr3-48650958-C-T. GRCh37 (hg19) VCF-style: chr3-48688391-C-T.
Other names: short protein forms A2102T.
Identifiers: ClinVar variation 2672070 (VCV002672070.1), dbSNP rs1221285290, ClinGen allele CA352740653.

ClinVar aggregate classification (germline): Likely pathogenic (0 of 4 stars; one submission).

Allele frequency attached by ClinVar (database versions not stated): gnomAD exomes below 0.00001.
gnomAD v4.1: 6 of 1,611,400 alleles (0.00037%); highest among the groups gnomAD compares: South Asian, 0.0044%; no homozygotes.

Submission:

Institute of Anatomy and Cell Biology, Medical Faculty, University Of Bonn
Classification: Likely pathogenic. Last evaluated: 2023-08-16. Review status: no assertion criteria provided. Collection method: clinical testing. Allele origin: inherited. Affected: yes.
Comment: This variant was observed in homozygosity